The following is an entry in ClinVar:

NM_005529.7(HSPG2):c.2335C>T (p.His779Tyr)

Gene: HSPG2 (heparan sulfate proteoglycan 2; minus strand). Cytogenetic location: 1p36.12.
Variant type: single nucleotide variant.
Coding change: c.2335C>T on transcript NM_005529.7 (MANE Select); coding-DNA position 2335, C replaced by T.
Protein change: p.His779Tyr; replaces histidine 779 with tyrosine.
Molecular consequence: missense variant.
Genome position (GRCh38, 1-based): chr1:21,880,115, G>A on the plus strand (C>T on the coding strand, the complement: HSPG2 is on the minus strand). VCF-style: chr1-21880115-G-A. GRCh37 (hg19) VCF-style: chr1-22206608-G-A.
Other names: c.2338C>T, p.His780Tyr (NM_001291860.2); short protein forms H779Y, H780Y.
Identifiers: ClinVar variation 295880 (VCV000295880.14), dbSNP rs149094407, ClinGen allele CA673113.

ClinVar aggregate classification (germline): Conflicting classifications of pathogenicity. Review status: criteria provided, conflicting classifications (1 of 4 stars). 8 submissions from 7 submitters: Uncertain significance (6); Likely benign (2). Last evaluated 2024-09-13.

Conditions:
Lethal Kniest-like syndrome (DDSH). Also called: Dyssegmental Dysplasia. Identifiers: Orphanet 1865, MedGen C1857100, MONDO:0009140, OMIM 224410.
Schwartz-Jampel syndrome type 1 (SJS1). Also called: MYOTONIC MYOPATHY, DWARFISM, CHONDRODYSTROPHY, AND OCULAR AND FACIAL ABNORMALITIES; CHONDRODYSTROPHIC MYOTONIA. Identifiers: MedGen C4551479, MONDO:0100435, OMIM 255800.
Inborn genetic diseases. Identifiers: MedGen C0950123, MeSH D030342.
Schwartz-Jampel syndrome. Also called: Myotonic myopathy dwarfism chondrodystrophy and ocular and facial abnormalities. Identifiers: Orphanet 800, MedGen C0036391, MONDO:0009717.

Allele frequency attached by ClinVar (database versions not stated): 1000 Genomes Project 30x 0.00078; 1000 Genomes Project 0.00080; gnomAD 0.00086 and 0.00088; gnomAD exomes 0.00089 and 0.00133; TOPMed 0.00092; ExAC 0.00094; ESP Exome Variant Server 0.00115.
gnomAD v4.1: 2,047 of 1,614,114 alleles (0.13%); highest among the groups gnomAD compares: Non-Finnish European, 0.16%; 1 homozygote.

Submissions (8):

Revvity Omics, Revvity
Classification: Uncertain significance. Last evaluated: 2024-09-13. Review status: criteria provided, single submitter. Criteria: ACMG Guidelines, 2015. Collection method: clinical testing. Allele origin: germline.

Athena Diagnostics
Classification: Likely benign. Last evaluated: 2024-07-01. Review status: criteria provided, single submitter. Criteria: Athena Diagnostics Criteria. Collection method: clinical testing. Allele origin: unknown.

Labcorp Genetics (formerly Invitae), Labcorp
Classification: Uncertain significance. Last evaluated: 2022-10-04. Review status: criteria provided, single submitter. Criteria: Invitae Variant Classification Sherloc (09022015). Collection method: clinical testing. Allele origin: germline.
Comment: This sequence change replaces histidine, which is basic and polar, with tyrosine, which is neutral and polar, at codon 779 of the HSPG2 protein (p.His779Tyr). This variant is present in population databases (rs149094407, gnomAD 0.1%), and has an allele count higher than expected for a pathogenic variant. This variant has not been reported in the literature in individuals affected with HSPG2-related conditions. ClinVar contains an entry for this variant (Variation ID: 295880). Algorithms developed to predict the effect of missense changes on protein structure and function (SIFT, PolyPhen-2, Align-GVGD) all suggest that this variant is likely to be tolerated. In summary, the available evidence is currently insufficient to determine the role of this variant in disease. Therefore, it has been classified as a Variant of Uncertain Significance.

Department of Pathology and Laboratory Medicine, Sinai Health System
Classification: Uncertain significance for Lethal Kniest-like syndrome; Schwartz-Jampel syndrome type 1. Last evaluated: 2022-04-25. Review status: criteria provided, single submitter. Criteria: ACMG Guidelines, 2015. Collection method: research. Allele origin: germline.

Ambry Genetics
Classification: Likely benign for Inborn genetic diseases. Last evaluated: 2022-03-29. Review status: criteria provided, single submitter. Criteria: Ambry Variant Classification Scheme 2023. Collection method: clinical testing. Allele origin: germline.

Baylor Genetics
Classification: Uncertain significance for Lethal Kniest-like syndrome. Last evaluated: 2018-01-19. Review status: criteria provided, single submitter. Criteria: ACMG Guidelines, 2015. Collection method: clinical testing. Allele origin: maternal. Affected: yes.
Comment: This variant was determined to be of uncertain significance according to ACMG Guidelines, 2015 [PMID:25741868].

Illumina Laboratory Services, Illumina
Classification: Uncertain significance for Lethal Kniest-like syndrome. Last evaluated: 2018-01-12. Review status: criteria provided, single submitter. Criteria: ICSL Variant Classification Criteria 13 December 2019. Collection method: clinical testing. Allele origin: germline.

Illumina Laboratory Services, Illumina
Classification: Uncertain significance for Schwartz-Jampel syndrome type 1. Last evaluated: 2018-01-12. Review status: criteria provided, single submitter. Criteria: ICSL Variant Classification Criteria 13 December 2019. Collection method: clinical testing. Allele origin: germline.